The following is an entry in ClinVar:

ClinVar aggregate classification (germline): Likely benign. Review status: criteria provided, multiple submitters, no conflicts (2 of 4 stars). 4 submissions from 4 submitters: Likely benign (4). Last evaluated 2025-06-25.

Conditions:
Catecholaminergic polymorphic ventricular tachycardia (CVPT). Also called: Catecholamine-induced polymorphic ventricular tachycardia. Identifiers: Orphanet 3286, MedGen C5574922, MONDO:0017990.
Cardiomyopathy (CMYO). Also called: Cardiomyopathies. Identifiers: Orphanet 167848, MedGen C0878544, MONDO:0004994, HP:0001638. Inheritance: Various modes of inheritance.
Catecholaminergic polymorphic ventricular tachycardia 1. Also called: VENTRICULAR TACHYCARDIA, CATECHOLAMINERGIC POLYMORPHIC, 1, WITH OR WITHOUT ATRIAL DYSFUNCTION AND/OR DILATED CARDIOMYOPATHY; RYR2-Related Catecholaminergic Polymorphic Ventricular Tachycardia; VENTRICULAR TACHYCARDIA, STRESS-INDUCED POLYMORPHIC 1. Identifiers: Orphanet 3286, MedGen C1631597, MONDO:0011484, OMIM 604772.

Allele frequency attached by ClinVar (database versions not stated): gnomAD exomes below 0.00001 and 0.00001; TOPMed below 0.00001; gnomAD 0.00001.
gnomAD v4.1: 3 of 1,578,734 alleles (0.00019%); highest among the groups gnomAD compares: Admixed American, 0.0054%; no homozygotes.

Submissions (4):

Labcorp Genetics (formerly Invitae), Labcorp
Classification: Likely benign for Catecholaminergic polymorphic ventricular tachycardia 1. Last evaluated: 2025-06-25. Review status: criteria provided, single submitter. Criteria: Invitae Variant Classification Sherloc (09022015). Collection method: clinical testing. Allele origin: germline.

Blueprint Genetics
Classification: Likely benign. Last evaluated: 2024-02-22. Review status: criteria provided, single submitter. Criteria: ACMG Guidelines, 2015. Collection method: clinical testing. Allele origin: germline.

All of Us Research Program, National Institutes of Health
Classification: Likely benign for Catecholaminergic polymorphic ventricular tachycardia. Last evaluated: 2023-10-27. Review status: criteria provided, single submitter. Criteria: ACMG Guidelines, 2015. Collection method: clinical testing. Allele origin: germline. Inheritance: Autosomal dominant inheritance. Observed: 3 variant alleles, 3 heterozygotes.
Comment: This study involves interpretation of variants in research participants for the purpose of population health screening. Participant phenotype was not available at the time of variant classification. Additional details can be found in publication PMID: 35346344, PMCID: PMC8962531

Color Diagnostics, LLC DBA Color Health
Classification: Likely benign for Cardiomyopathy. Last evaluated: 2020-10-06. Review status: criteria provided, single submitter. Criteria: ACMG Guidelines, 2015. Collection method: clinical testing. Allele origin: germline.

NM_001035.3(RYR2):c.13261-11A>T

Gene: RYR2 (ryanodine receptor 2; plus strand). Cytogenetic location: 1q43.
Variant type: single nucleotide variant.
Coding change: c.13261-11A>T on transcript NM_001035.3 (MANE Select); 11 bases into the intron before coding-DNA position 13261, A replaced by T.
Molecular consequence: intron variant.
Genome position (GRCh38, 1-based): chr1:237,785,958, A>T. VCF-style: chr1-237785958-A-T. GRCh37 (hg19) VCF-style: chr1-237949258-A-T.
Identifiers: ClinVar variation 1171259 (VCV001171259.13), dbSNP rs1391876423, ClinGen allele CA423825777.
Genomic context (GRCh38, chr1:237,785,958, plus strand): 5'-ACATGGCTCCCTCAATTCATTCAAAGGTGATGGGTAATCCTGGTTTTCTTTTCCCCATTG[A>T]CTCATTCAAGGAACAGAAGGCAAAAGAAGAAGAAAAGGAAGAAAAAGAAGAAACCAAATC-3'